The following is an entry in ClinVar:

NM_000275.3(OCA2):c.966C>G (p.Tyr322Ter)

Gene: OCA2 (OCA2 melanosomal transmembrane protein; minus strand). Cytogenetic location: 15q13.1.
Variant type: single nucleotide variant.
Coding change: c.966C>G on transcript NM_000275.3 (MANE Select); coding-DNA position 966, C replaced by G.
Protein change: p.Tyr322Ter; replaces tyrosine 322 with a stop codon.
Molecular consequence: nonsense.
Genome position (GRCh38, 1-based): chr15:28,014,854, G>C on the plus strand (C>G on the coding strand, the complement: OCA2 is on the minus strand). VCF-style: chr15-28014854-G-C. GRCh37 (hg19) VCF-style: chr15-28260000-G-C.
Other names: c.966C>G, p.Tyr322Ter (NM_001300984.2); short protein forms Y322*.
Identifiers: ClinVar variation 5014742 (VCV005014742.1).
Genomic context (GRCh38, chr15:28,014,854, plus strand): 5'-GTAGACGCCCGCGAGGATGGCCGTCGCGATGGTCACCTGGGTTTCTACACTTCCGCGGAG[G>C]TACTGATGAGCCATCAAAAGAGGGACAGCCTGGGTCTGCTGCAGGGAGGCCCGGATGCTG-3'

ClinVar aggregate classification (germline): Pathogenic (1 of 4 stars; one submission).

Conditions:
Tyrosinase-positive oculocutaneous albinism (OCA2). Also called: ALBINISM II; Oculocutaneous albinism type 2; Albinism, oculocutaneous, type II. Identifiers: Orphanet 79432, MedGen C0268495, MONDO:0008746, OMIM 203200.

Submission:

Myriad Genetics, Inc.
Classification: Pathogenic for Tyrosinase-positive oculocutaneous albinism. Last evaluated: 2025-07-17. Review status: criteria provided, single submitter. Criteria: Myriad Autosomal Dominant, Autosomal Recessive and X-Linked Classification Criteria (2023). Collection method: clinical testing. Allele origin: unknown.
Comment: NM_000275.2(OCA2):c.966C>G(Y322*) is expected to be pathogenic in the context of oculocutaneous albinism, OCA2-related. This variant is predicted to lead to an abnormal or absent protein product due to the creation of a premature termination codon in OCA2, a gene where loss-of-function variants are known to be pathogenic. Please note: this variant was assessed in the context of healthy population screening.